The following is an entry in ClinVar:

NM_012210.4(TRIM32):c.464G>C (p.Arg155Pro)

Genes: ASTN2 (astrotactin 2; minus strand), TRIM32 (tripartite motif containing 32; plus strand). Cytogenetic location: 9q33.1.
Variant type: single nucleotide variant.
Coding change: c.464G>C on transcript NM_012210.4 (MANE Select); coding-DNA position 464, G replaced by C.
Protein change: p.Arg155Pro; replaces arginine 155 with proline.
Molecular consequence: missense variant. On other transcripts: intron variant (3).
Genome position (GRCh38, 1-based): chr9:116,698,206, G>C. VCF-style: chr9-116698206-G-C. GRCh37 (hg19) VCF-style: chr9-119460485-G-C.
Other names: c.464G>C, p.Arg155Pro (NM_001099679.2, NM_001379048.1, NM_001379049.1 and 1 more transcripts); c.2653+27565C>G (NM_014010.5); c.2794+27565C>G (NM_001365069.1); c.2806+27565C>G (NM_001365068.1); short protein forms R155P.
Identifiers: ClinVar variation 1043028 (VCV001043028.10), dbSNP rs777914761, ClinGen allele CA374648617.

ClinVar aggregate classification (germline): Uncertain significance. Review status: criteria provided, multiple submitters, no conflicts (2 of 4 stars). 4 submissions from 4 submitters: Uncertain significance (3). 1 of the submissions does not count toward it. Last evaluated 2024-04-18.

Conditions:
TRIM32-related disorder. Also called: TRIM32-related condition.
Bardet-Biedl syndrome 11 (BBS11). Identifiers: Orphanet 110, MedGen C1859569, MONDO:0014439, OMIM 615988.
Sarcotubular myopathy (LGMDR8). Also called: Autosomal recessive limb-girdle muscular dystrophy type 2H; MUSCULAR DYSTROPHY, LIMB-GIRDLE, AUTOSOMAL RECESSIVE 8; Hutterite type of muscular dystrophy; Limb-girdle muscular dystrophy, type 2H. Identifiers: Orphanet 1878, MedGen C0270968, MONDO:0009683, OMIM 254110.
Bardet-Biedl syndrome (BBS). Identifiers: Orphanet 110, MedGen C0752166, MONDO:0015229.

Allele frequency attached by ClinVar (database versions not stated): TOPMed 0.00002.
gnomAD v4.1: 4 of 1,614,036 alleles (0.00025%); highest among the groups gnomAD compares: African/African-American, 0.004%; no homozygotes.

Submissions (4):

Revvity Omics, Revvity
Classification: Uncertain significance. Last evaluated: 2024-04-18. Review status: criteria provided, single submitter. Criteria: ACMG Guidelines, 2015. Collection method: clinical testing. Allele origin: germline.

Fulgent Genetics
Classification: Uncertain significance for Sarcotubular myopathy; Bardet-Biedl syndrome 11. Last evaluated: 2024-04-08. Review status: criteria provided, single submitter. Criteria: ACMG Guidelines, 2015. Collection method: clinical testing. Allele origin: germline.

Labcorp Genetics (formerly Invitae), Labcorp
Classification: Uncertain significance for Bardet-Biedl syndrome. Last evaluated: 2021-09-01. Review status: criteria provided, single submitter. Criteria: Invitae Variant Classification Sherloc (09022015). Collection method: clinical testing. Allele origin: germline.
Comment: This sequence change replaces arginine with proline at codon 155 of the TRIM32 protein (p.Arg155Pro). The arginine residue is moderately conserved and there is a moderate physicochemical difference between arginine and proline. This variant is not present in population databases (ExAC no frequency). This variant has not been reported in the literature in individuals affected with TRIM32-related conditions. Algorithms developed to predict the effect of missense changes on protein structure and function (SIFT, PolyPhen-2, Align-GVGD) all suggest that this variant is likely to be tolerated. In summary, the available evidence is currently insufficient to determine the role of this variant in disease. Therefore, it has been classified as a Variant of Uncertain Significance.

PreventionGenetics, part of Exact Sciences
Classification: Uncertain significance for TRIM32-related condition. Last evaluated: 2024-05-13. Review status: no assertion criteria provided. Collection method: clinical testing. Allele origin: germline. Not counted in ClinVar's aggregate classification.
Comment: The TRIM32 c.464G>C variant is predicted to result in the amino acid substitution p.Arg155Pro. To our knowledge, this variant has not been reported in the literature. This variant is reported in 0.011% of alleles in individuals of African descent in gnomAD. At this time, the clinical significance of this variant is uncertain due to the absence of conclusive functional and genetic evidence.